The following is an entry in ClinVar:

NM_017617.5(NOTCH1):c.2150T>C (p.Val717Ala)

Gene: NOTCH1 (notch receptor 1; minus strand). Cytogenetic location: 9q34.3.
Variant type: single nucleotide variant.
Coding change: c.2150T>C on transcript NM_017617.5 (MANE Select); coding-DNA position 2150, T replaced by C.
Protein change: p.Val717Ala; replaces valine 717 with alanine.
Molecular consequence: missense variant.
Genome position (GRCh38, 1-based): chr9:136,514,567, A>G on the plus strand (T>C on the coding strand, the complement: NOTCH1 is on the minus strand). VCF-style: chr9-136514567-A-G. GRCh37 (hg19) VCF-style: chr9-139409019-A-G.
Other names: short protein forms V717A.
Identifiers: ClinVar variation 1786748 (VCV001786748.2), dbSNP rs1589065468, ClinGen allele CA375558635.

ClinVar aggregate classification (germline): Uncertain significance (1 of 4 stars; one submission).

Conditions:
Familial thoracic aortic aneurysm and aortic dissection (TAAD). Also called: Thoracic aortic aneurysms and dissections. Identifiers: Orphanet 91387, MedGen C4707243, MONDO:0019625.

Allele frequency attached by ClinVar (database versions not stated): gnomAD exomes below 0.00001.
gnomAD v4.1: 2 of 1,607,720 alleles (0.00012%); highest among the groups gnomAD compares: Non-Finnish European, 0.00017%; no homozygotes.

Submission:

Ambry Genetics
Classification: Uncertain significance for Familial thoracic aortic aneurysm and aortic dissection. Last evaluated: 2021-08-07. Review status: criteria provided, single submitter. Criteria: Ambry Variant Classification Scheme 2023. Collection method: clinical testing. Allele origin: germline.
Comment: The p.V717A variant (also known as c.2150T>C), located in coding exon 13 of the NOTCH1 gene, results from a T to C substitution at nucleotide position 2150. The valine at codon 717 is replaced by alanine, an amino acid with similar properties. This amino acid position is conserved. In addition, the in silico prediction for this alteration is inconclusive. Since supporting evidence is limited at this time, the clinical significance of this alteration remains unclear.